The following is an entry in ClinVar:

NM_015896.4(ZMYND10):c.240G>A (p.Met80Ile)

Gene: ZMYND10 (zinc finger MYND-type containing 10; minus strand). Cytogenetic location: 3p21.31.
Variant type: single nucleotide variant.
Coding change: c.240G>A on transcript NM_015896.4 (MANE Select); coding-DNA position 240, G replaced by A.
Protein change: p.Met80Ile; replaces methionine 80 with isoleucine.
Molecular consequence: missense variant.
Genome position (GRCh38, 1-based): chr3:50,343,812, C>T on the plus strand (G>A on the coding strand, the complement: ZMYND10 is on the minus strand). VCF-style: chr3-50343812-C-T. GRCh37 (hg19) VCF-style: chr3-50381243-C-T.
Other names: c.240G>A (NM_015896.2); c.240G>A, p.Met80Ile (NM_001308379.2); short protein forms M80I.
Identifiers: ClinVar variation 2896583 (VCV002896583.3), dbSNP rs1703461215, ClinGen allele CA352944458.

ClinVar aggregate classification (germline): Uncertain significance. Review status: criteria provided, multiple submitters, no conflicts (2 of 4 stars). 2 submissions from 2 submitters: Uncertain significance (2). Last evaluated 2025-02-22.

Conditions:
Inborn genetic diseases. Identifiers: MedGen C0950123, MeSH D030342.
Primary ciliary dyskinesia. Also called: Ciliary dyskinesia. Identifiers: Orphanet 244, MedGen C0008780, MONDO:0016575, HP:0012265.

Allele frequency attached by ClinVar (database versions not stated): gnomAD exomes below 0.00001; TOPMed below 0.00001.
gnomAD v4.1: 1 of 1,614,230 alleles (0.000062%); highest among the groups gnomAD compares: Non-Finnish European, 0.000085%; no homozygotes.

Submissions (2):

Ambry Genetics
Classification: Uncertain significance for Inborn genetic diseases. Last evaluated: 2025-02-22. Review status: criteria provided, single submitter. Criteria: Ambry Variant Classification Scheme 2023. Collection method: clinical testing. Allele origin: germline.

Labcorp Genetics (formerly Invitae), Labcorp
Classification: Uncertain significance for Primary ciliary dyskinesia. Last evaluated: 2023-05-29. Review status: criteria provided, single submitter. Criteria: Invitae Variant Classification Sherloc (09022015). Collection method: clinical testing. Allele origin: germline.
Comment: This sequence change replaces methionine, which is neutral and non-polar, with isoleucine, which is neutral and non-polar, at codon 80 of the ZMYND10 protein (p.Met80Ile). This variant is not present in population databases (gnomAD no frequency). This variant has not been reported in the literature in individuals affected with ZMYND10-related conditions. Advanced modeling of protein sequence and biophysical properties (such as structural, functional, and spatial information, amino acid conservation, physicochemical variation, residue mobility, and thermodynamic stability) performed at Invitae indicates that this missense variant is not expected to disrupt ZMYND10 protein function. In summary, the available evidence is currently insufficient to determine the role of this variant in disease. Therefore, it has been classified as a Variant of Uncertain Significance.